The following is an entry in ClinVar:

ClinVar aggregate classification (germline): Uncertain significance (1 of 4 stars; one submission).

Allele frequency attached by ClinVar (database versions not stated): gnomAD exomes below 0.00001; TOPMed 0.00001; gnomAD 0.00002.
gnomAD v4.1: 5 of 1,432,876 alleles (0.00035%); highest among the groups gnomAD compares: Admixed American, 0.0029%; no homozygotes.

Submission:

Labcorp Genetics (formerly Invitae), Labcorp
Classification: Uncertain significance. Last evaluated: 2023-04-24. Review status: criteria provided, single submitter. Criteria: Invitae Variant Classification Sherloc (09022015). Collection method: clinical testing. Allele origin: germline.
Comment: Advanced modeling of protein sequence and biophysical properties (such as structural, functional, and spatial information, amino acid conservation, physicochemical variation, residue mobility, and thermodynamic stability) performed at Invitae indicates that this missense variant is not expected to disrupt P3H2 protein function. In summary, the available evidence is currently insufficient to determine the role of this variant in disease. Therefore, it has been classified as a Variant of Uncertain Significance. ClinVar contains an entry for this variant (Variation ID: 1004684). This variant has not been reported in the literature in individuals affected with P3H2-related conditions. This variant is present in population databases (no rsID available, gnomAD 0.01%). This sequence change replaces alanine, which is neutral and non-polar, with threonine, which is neutral and polar, at codon 89 of the P3H2 protein (p.Ala89Thr).

NM_018192.4(P3H2):c.265G>A (p.Ala89Thr)

Gene: P3H2 (prolyl 3-hydroxylase 2; minus strand). Cytogenetic location: 3q28.
Variant type: single nucleotide variant.
Coding change: c.265G>A on transcript NM_018192.4 (MANE Select); coding-DNA position 265, G replaced by A.
Protein change: p.Ala89Thr; replaces alanine 89 with threonine.
Molecular consequence: missense variant. On other transcripts: intron variant (1).
Genome position (GRCh38, 1-based): chr3:190,120,467, C>T on the plus strand (G>A on the coding strand, the complement: P3H2 is on the minus strand). VCF-style: chr3-190120467-C-T. GRCh37 (hg19) VCF-style: chr3-189838256-C-T.
Other names: c.-64+1736G>A (NM_001134418.2); short protein forms A89T.
Identifiers: ClinVar variation 1004684 (VCV001004684.5), dbSNP rs1187875003, ClinGen allele CA355859835.
Genomic context (GRCh38, chr3:190,120,467, plus strand): 5'-GGGGCAGCTCAGCGCCGGGGCCCTCGCCGGGGGGCGGGGGCGGGAGCGGGTGGCGCGCCG[C>T]GCAGTGGCGGGCACAGCGCGTGCGGATTTCCCGCAGGCGCCGGTGGCTGCGCAGCGCCGC-3'
Protein context (NP_060662.2, residues 79-99): EIRTRCARHC[Ala89Thr]ARHPLPPPPP